The following is an entry in ClinVar:

NM_001205293.3(CACNA1E):c.1291C>T (p.His431Tyr)

Gene: CACNA1E (calcium voltage-gated channel subunit alpha1 E; plus strand). Cytogenetic location: 1q25.3.
Variant type: single nucleotide variant.
Coding change: c.1291C>T on transcript NM_001205293.3 (MANE Select); coding-DNA position 1291, C replaced by T.
Protein change: p.His431Tyr; replaces histidine 431 with tyrosine.
Molecular consequence: missense variant.
Genome position (GRCh38, 1-based): chr1:181,716,105, C>T. VCF-style: chr1-181716105-C-T. GRCh37 (hg19) VCF-style: chr1-181685241-C-T.
Other names: c.1291C>T, p.His431Tyr (NM_000721.4, NM_001205294.2); short protein forms H431Y.
Identifiers: ClinVar variation 3901305 (VCV003901305.1).
Genomic context (GRCh38, chr1:181,716,105, plus strand): 5'-CGAAGGGCAACCATCAAGAGGAGCCGGACAGAGGCCATGACTCGAGACTCCAGTGATGAG[C>T]ACTGTGTTGATATCTCCTCTGTGGGTGAGTGGATCCAGTTAGATCTTTTACTGCTCTGAA-3'
Protein context (NP_001192222.1, residues 421-441): EAMTRDSSDE[His431Tyr]CVDISSVGTP

ClinVar aggregate classification (germline): Uncertain significance (1 of 4 stars; one submission).

gnomAD v4.1: 3 of 1,568,736 alleles (0.00019%); highest among the groups gnomAD compares: Middle Eastern, 0.033%; no homozygotes.

Submission:

GeneDx
Classification: Uncertain significance. Last evaluated: 2024-12-05. Review status: criteria provided, single submitter. Criteria: GeneDx Variant Classification Process June 2021. Collection method: clinical testing. Allele origin: germline. Affected: yes.
Comment: Not observed at significant frequency in large population cohorts (gnomAD); In silico analysis supports that this missense variant has a deleterious effect on protein structure/function; Has not been previously published as pathogenic or benign to our knowledge